The following is an entry in ClinVar:

NM_001170629.2(CHD8):c.4173+5G>A

Gene: CHD8 (chromodomain helicase DNA binding protein 8; minus strand). Cytogenetic location: 14q11.2.
Variant type: single nucleotide variant.
Coding change: c.4173+5G>A on transcript NM_001170629.2 (MANE Select); 5 bases into the intron after coding-DNA position 4173, G replaced by A.
Molecular consequence: intron variant.
Genome position (GRCh38, 1-based): chr14:21,401,398, C>T on the plus strand (G>A on the coding strand, the complement: CHD8 is on the minus strand). VCF-style: chr14-21401398-C-T. GRCh37 (hg19) VCF-style: chr14-21869557-C-T.
Other names: c.3336+5G>A (NM_020920.4).
Identifiers: ClinVar variation 4768915 (VCV004768915.1).

ClinVar aggregate classification (germline): Uncertain significance (1 of 4 stars; one submission).

gnomAD v4.1: 3 of 1,553,688 alleles (0.00019%); highest among the groups gnomAD compares: East Asian, 0.0068%; no homozygotes.

Submission:

Labcorp Genetics (formerly Invitae), Labcorp
Classification: Uncertain significance. Last evaluated: 2025-03-22. Review status: criteria provided, single submitter. Criteria: Invitae Variant Classification Sherloc (09022015). Collection method: clinical testing. Allele origin: germline.
Comment: This sequence change falls in intron 20 of the CHD8 gene. It does not directly change the encoded amino acid sequence of the CHD8 protein. It affects a nucleotide within the consensus splice site. The frequency data for this variant in the population databases is considered unreliable, as metrics indicate poor data quality at this position in the gnomAD database. This variant has not been reported in the literature in individuals affected with CHD8-related conditions. Variants that disrupt the consensus splice site are a relatively common cause of aberrant splicing (PMID: 17576681, 9536098). Algorithms developed to predict the effect of sequence changes on RNA splicing suggest that this variant is not likely to affect RNA splicing. In summary, the available evidence is currently insufficient to determine the role of this variant in disease. Therefore, it has been classified as a Variant of Uncertain Significance.

Literature cited by the submitters: PubMed 17576681; PubMed 9536098.